The following is an entry in ClinVar:

NM_001127255.2(NLRP7):c.2095G>A (p.Val699Ile)

Genes: NCR1 (natural cytotoxicity triggering receptor 1), NLRP7 (NLR family pyrin domain containing 7; minus strand). Cytogenetic location: 19q13.42.
Variant type: single nucleotide variant.
Coding change: c.2095G>A on transcript NM_001127255.2 (MANE Select); coding-DNA position 2095, G replaced by A.
Protein change: p.Val699Ile; replaces valine 699 with isoleucine.
Molecular consequence: missense variant.
Genome position (GRCh38, 1-based): chr19:54,938,078, C>T on the plus strand (G>A on the coding strand, the complement: NLRP7 is on the minus strand). VCF-style: chr19-54938078-C-T. GRCh37 (hg19) VCF-style: chr19-55449446-C-T.
Other names: c.2095G>A, p.Val699Ile (NM_001405531.1, NM_206828.4); c.2011G>A, p.Val671Ile (NM_139176.4); short protein forms V699I, V671I.
Identifiers: ClinVar variation 97735 (VCV000097735.13), dbSNP rs77072552, ClinGen allele CA149991.

ClinVar aggregate classification (germline): Conflicting classifications of pathogenicity. Review status: criteria provided, conflicting classifications (1 of 4 stars). 5 submissions from 5 submitters: Uncertain significance (1); Benign (1). 3 of the submissions do not count toward it. Last evaluated 2017-04-27.

Conditions:
Hydatidiform mole, recurrent, 1 (HYDM1). Identifiers: Orphanet 254688, Orphanet 99927, MedGen C3463897, MONDO:0009273, OMIM 231090. Disease mechanism: loss of function.

Allele frequency attached by ClinVar (database versions not stated): ESP Exome Variant Server 0.00038; gnomAD 0.00141 and 0.00182; TOPMed 0.00179; ExAC 0.00351; gnomAD exomes 0.00360; 1000 Genomes Project 30x 0.00656; 1000 Genomes Project 0.00779.
gnomAD v4.1: 2,487 of 1,614,018 alleles (0.15%); highest among the groups gnomAD compares: East Asian, 4.4%; 70 homozygotes.

Submissions (5):

Illumina Laboratory Services, Illumina
Classification: Uncertain significance for Hydatidiform mole, recurrent, 1. Last evaluated: 2017-04-27. Review status: criteria provided, single submitter. Criteria: ICSL Variant Classification Criteria 13 December 2019. Collection method: clinical testing. Allele origin: germline.
Comment: This variant was observed as part of a predisposition screen in an ostensibly healthy population. A literature search was performed for the gene, cDNA change, and amino acid change (where applicable). Publications were found based on this search. However, the evidence from the literature, in combination with allele frequency data from public databases where available, was not sufficient to rule this variant in or out of causing disease. Therefore, this variant is classified as a variant of unknown significance.

Eurofins Ntd Llc (ga)
Classification: Benign. Last evaluated: 2015-10-05. Review status: criteria provided, single submitter. Criteria: EGL Classification Definitions 2015. Collection method: clinical testing. Allele origin: germline. Observed: 1 variant allele, 1 heterozygote.

Clinical Genetics DNA and cytogenetics Diagnostics Lab, Erasmus MC, Erasmus Medical Center
Classification: Benign. Review status: no assertion criteria provided. Collection method: clinical testing. Allele origin: germline. Affected: yes. Study: VKGL Data-share Consensus. Not counted in ClinVar's aggregate classification.

Genome Diagnostics Laboratory, University Medical Center Utrecht
Classification: Likely benign. Review status: no assertion criteria provided. Collection method: clinical testing. Allele origin: germline. Affected: yes. Study: VKGL Data-share Consensus. Not counted in ClinVar's aggregate classification.

Unité médicale des maladies autoinflammatoires, CHRU Montpellier
No classification provided. Condition: Hydatidiform mole. Review status: no classification provided. Collection method: not provided. Allele origin: unknown. Not counted in ClinVar's aggregate classification.

Literature cited by the submitters: PubMed 24105752 (cited by Illumina Laboratory Services, Illumina).